The following is an entry in ClinVar:

NM_000051.4(ATM):c.7343A>T (p.Asp2448Val)

Genes: ATM (ATM serine/threonine kinase; plus strand), C11orf65 (chromosome 11 open reading frame 65; minus strand). Cytogenetic location: 11q22.3.
Variant type: single nucleotide variant.
Coding change: c.7343A>T on transcript NM_000051.4 (MANE Select); coding-DNA position 7343, A replaced by T.
Protein change: p.Asp2448Val; replaces aspartic acid 2448 with valine.
Molecular consequence: missense variant. On other transcripts: intron variant (2).
Genome position (GRCh38, 1-based): chr11:108,330,249, A>T. VCF-style: chr11-108330249-A-T. GRCh37 (hg19) VCF-style: chr11-108200976-A-T.
Other names: c.7343A>T, p.Asp2448Val (NM_001351834.2); c.641-21178T>A (NM_001330368.2); c.*38+4971T>A (NM_001351110.2); short protein forms D2448V.
Identifiers: ClinVar variation 2089976 (VCV002089976.5), dbSNP rs1275267580, ClinGen allele CA382559928.

ClinVar aggregate classification (germline): Uncertain significance. Review status: criteria provided, multiple submitters, no conflicts (2 of 4 stars). 2 submissions from 2 submitters: Uncertain significance (2). Last evaluated 2024-06-26.

Conditions:
Ataxia-telangiectasia syndrome (AT). Also called: ATAXIA-TELANGIECTASIA, COMPLEMENTATION GROUP A; ATAXIA-TELANGIECTASIA, FRESNO VARIANT; Ataxia-telangiectasia; Ataxia-telangiectasia, complementation group E; LOUIS-BAR SYNDROME; Cerebello-oculocutaneous telangiectasia. Identifiers: Orphanet 100, MedGen C0004135, MONDO:0008840, OMIM 208900.
Hereditary cancer-predisposing syndrome. Also called: Tumor predisposition; Hereditary Cancer Syndrome; Hereditary neoplastic syndrome; Neoplastic Syndromes, Hereditary. Identifiers: Orphanet 140162, MedGen C0027672, MeSH D009386, MONDO:0015356.

Submissions (2):

Ambry Genetics
Classification: Uncertain significance for Hereditary cancer-predisposing syndrome. Last evaluated: 2024-06-26. Review status: criteria provided, single submitter. Criteria: Ambry Variant Classification Scheme 2023. Collection method: clinical testing. Allele origin: germline.
Comment: The p.D2448V variant (also known as c.7343A>T), located in coding exon 49 of the ATM gene, results from an A to T substitution at nucleotide position 7343. The aspartic acid at codon 2448 is replaced by valine, an amino acid with highly dissimilar properties. This amino acid position is highly conserved in available vertebrate species. In addition, this alteration is predicted to be deleterious by in silico analysis. Based on the available evidence, the clinical significance of this variant remains unclear.

Labcorp Genetics (formerly Invitae), Labcorp
Classification: Uncertain significance for Ataxia-telangiectasia syndrome. Last evaluated: 2022-01-26. Review status: criteria provided, single submitter. Criteria: Invitae Variant Classification Sherloc (09022015). Collection method: clinical testing. Allele origin: germline.
Comment: This sequence change replaces aspartic acid, which is acidic and polar, with valine, which is neutral and non-polar, at codon 2448 of the ATM protein (p.Asp2448Val). This variant is present in population databases (no rsID available, gnomAD 0.004%). This variant has not been reported in the literature in individuals affected with ATM-related conditions. Advanced modeling of protein sequence and biophysical properties (such as structural, functional, and spatial information, amino acid conservation, physicochemical variation, residue mobility, and thermodynamic stability) performed at Invitae indicates that this missense variant is expected to disrupt ATM protein function. In summary, the available evidence is currently insufficient to determine the role of this variant in disease. Therefore, it has been classified as a Variant of Uncertain Significance.